The following is an entry in ClinVar:

ClinVar aggregate classification (germline): Likely benign (1 of 4 stars; one submission).

Conditions:
ADCY3-related disorder. Also called: ADCY3-related condition.

gnomAD v4.1: 1 of 1,613,532 alleles (0.000062%); highest among the groups gnomAD compares: Non-Finnish European, 0.000085%; no homozygotes.

Submission:

PreventionGenetics, part of Exact Sciences
Classification: Likely benign for ADCY3-related condition. Last evaluated: 2025-07-30. Review status: criteria provided, single submitter. Criteria: ACMG Guidelines, 2015. Collection method: clinical testing. Allele origin: germline.
Comment: This variant is classified as likely benign based on ACMG/AMP sequence variant interpretation guidelines (Richards et al. 2015 PMID: 25741868, with internal and published modifications).

NM_004036.5(ADCY3):c.1227G>A (p.Val409=)

Gene: ADCY3 (adenylate cyclase 3; minus strand). Cytogenetic location: 2p23.3.
Variant type: single nucleotide variant.
Coding change: c.1227G>A on transcript NM_004036.5 (MANE Select); coding-DNA position 1227, G replaced by A.
Protein change: p.Val409=; no amino-acid change (valine 409 retained).
Molecular consequence: synonymous variant.
Genome position (GRCh38, 1-based): chr2:24,840,001, C>T on the plus strand (G>A on the coding strand, the complement: ADCY3 is on the minus strand). VCF-style: chr2-24840001-C-T. GRCh37 (hg19) VCF-style: chr2-25062870-C-T.
Other names: c.1227G>A, p.Val409= (NM_001320613.2, NM_001377128.1, NM_001377129.1 and 2 more transcripts); c.504G>A, p.Val168= (NM_001377131.1).
Identifiers: ClinVar variation 5001126 (VCV005001126.1).